The following is an entry in ClinVar:

NM_001287.6(CLCN7):c.2170A>G (p.Ile724Val)

Gene: CLCN7 (chloride voltage-gated channel 7; minus strand). Cytogenetic location: 16p13.3.
Variant type: single nucleotide variant.
Coding change: c.2170A>G on transcript NM_001287.6 (MANE Select); coding-DNA position 2170, A replaced by G.
Protein change: p.Ile724Val; replaces isoleucine 724 with valine.
Molecular consequence: missense variant.
Genome position (GRCh38, 1-based): chr16:1,447,472, T>C on the plus strand (A>G on the coding strand, the complement: CLCN7 is on the minus strand). VCF-style: chr16-1447472-T-C. GRCh37 (hg19) VCF-style: chr16-1497473-T-C.
Other names: c.2098A>G, p.Ile700Val (NM_001114331.3); short protein forms I724V, I700V.
Identifiers: ClinVar variation 3639953 (VCV003639953.2).

ClinVar aggregate classification (germline): Uncertain significance (1 of 4 stars; one submission).

Submission:

Labcorp Genetics (formerly Invitae), Labcorp
Classification: Uncertain significance. Last evaluated: 2024-06-26. Review status: criteria provided, single submitter. Criteria: Invitae Variant Classification Sherloc (09022015). Collection method: clinical testing. Allele origin: germline.
Comment: This sequence change replaces isoleucine, which is neutral and non-polar, with valine, which is neutral and non-polar, at codon 724 of the CLCN7 protein (p.Ile724Val). This variant is not present in population databases (gnomAD no frequency). This variant has not been reported in the literature in individuals affected with CLCN7-related conditions. An algorithm developed to predict the effect of missense changes on protein structure and function (PolyPhen-2) suggests that this variant is likely to be tolerated. In summary, the available evidence is currently insufficient to determine the role of this variant in disease. Therefore, it has been classified as a Variant of Uncertain Significance.